The following is an entry in ClinVar:

ClinVar aggregate classification (germline): Uncertain significance (1 of 4 stars; one submission).

Conditions:
TSHZ1-related disorder. Also called: TSHZ1-related condition.

gnomAD v4.1: 1 of 1,614,100 alleles (0.000062%); highest among the groups gnomAD compares: Non-Finnish European, 0.000085%; no homozygotes.

Submission:

PreventionGenetics, part of Exact Sciences
Classification: Uncertain significance for TSHZ1-related condition. Last evaluated: 2026-03-25. Review status: criteria provided, single submitter. Criteria: ACMG Guidelines, 2015. Collection method: clinical testing. Allele origin: germline.
Comment: The TSHZ1 c.622G>A variant is predicted to result in the amino acid substitution p.Ala208Thr. To our knowledge, this variant has not been reported in the literature or in a large population database (gnomAD), indicating this variant is rare. At this time, the clinical significance of this variant is uncertain due to the absence of conclusive functional and genetic evidence.

NM_001308210.2(TSHZ1):c.757G>A (p.Ala253Thr)

Gene: TSHZ1 (teashirt zinc finger homeobox 1; plus strand). Cytogenetic location: 18q22.3.
Variant type: single nucleotide variant.
Coding change: c.757G>A on transcript NM_001308210.2 (MANE Select); coding-DNA position 757, G replaced by A.
Protein change: p.Ala253Thr; replaces alanine 253 with threonine.
Molecular consequence: missense variant.
Genome position (GRCh38, 1-based): chr18:75,286,164, G>A. VCF-style: chr18-75286164-G-A. GRCh37 (hg19) VCF-style: chr18-72998119-G-A.
Other names: c.622G>A, p.Ala208Thr (NM_005786.6); short protein forms A208T, A253T.
Identifiers: ClinVar variation 4990636 (VCV004990636.1).